The following is an entry in ClinVar:

ClinVar aggregate classification (germline): Uncertain significance (1 of 4 stars; one submission).

Conditions:
Hereditary spastic paraplegia 48. Also called: Spastic paraplegia 48; SPASTIC PARAPLEGIA 48, AUTOSOMAL RECESSIVE. Identifiers: Orphanet 306511, MedGen C3150901, MONDO:0013342, OMIM 613647.

Allele frequency attached by ClinVar (database versions not stated): gnomAD 0.00001 and 0.00002; ExAC 0.00002; TOPMed 0.00002; gnomAD exomes 0.00003 and 0.00004.
gnomAD v4.1: 67 of 1,612,016 alleles (0.0042%); highest among the groups gnomAD compares: Non-Finnish European, 0.0049%; no homozygotes.

Submission:

Labcorp Genetics (formerly Invitae), Labcorp
Classification: Uncertain significance for Hereditary spastic paraplegia 48. Last evaluated: 2016-10-01. Review status: criteria provided, single submitter. Criteria: Invitae Variant Classification Sherloc (09022015). Collection method: clinical testing. Allele origin: germline.
Comment: This variant is present in population databases (rs768595771, ExAC 0.01%) but has not been reported in the literature in individuals with a AP5Z1-related disease. This sequence change replaces arginine with tryptophan at codon 290 of the AP5Z1 protein (p.Arg290Trp). The arginine residue is moderately conserved and there is a moderate physicochemical difference between arginine and tryptophan. In summary, this variant is a rare missense change with uncertain impact on protein function. There is no indication that it causes disease, but the available evidence is currently insufficient to prove that conclusively. Therefore, it has been classified as a Variant of Uncertain Significance. Algorithms developed to predict the effect of missense changes on protein structure and function (SIFT, PolyPhen-2, Align-GVGD) all suggest that this variant is likely to be disruptive, but these predictions have not been confirmed by published functional studies.

NM_014855.3(AP5Z1):c.868C>T (p.Arg290Trp)

Gene: AP5Z1 (adaptor related protein complex 5 subunit zeta 1; plus strand). Cytogenetic location: 7p22.1.
Variant type: single nucleotide variant.
Coding change: c.868C>T on transcript NM_014855.3 (MANE Select); coding-DNA position 868, C replaced by T.
Protein change: p.Arg290Trp; replaces arginine 290 with tryptophan.
Molecular consequence: missense variant. On other transcripts: non-coding transcript variant (1).
Genome position (GRCh38, 1-based): chr7:4,784,985, C>T. VCF-style: chr7-4784985-C-T. GRCh37 (hg19) VCF-style: chr7-4824616-C-T.
Other names: c.868C>T, p.Arg290Trp (LRG_1247t1); c.400C>T, p.Arg134Trp (NM_001364858.1); short protein forms R290W, R134W.
Identifiers: ClinVar variation 412231 (VCV000412231.8), dbSNP rs768595771, ClinGen allele CA4137432.